The following is an entry in ClinVar:

ClinVar aggregate classification (germline): Uncertain significance (1 of 4 stars; one submission).

Conditions:
Cardiomyopathy (CMYO). Also called: Cardiomyopathies. Identifiers: Orphanet 167848, MedGen C0878544, MONDO:0004994, HP:0001638. Inheritance: Various modes of inheritance.

Submission:

Color Diagnostics, LLC DBA Color Health
Classification: Uncertain significance for Cardiomyopathy. Last evaluated: 2025-08-26. Review status: criteria provided, single submitter. Criteria: ACMG Guidelines, 2015. Collection method: clinical testing. Allele origin: germline.
Comment: This variant deletes 1 nucleotide in exon 6 of the PRKAG2 gene, creating a frameshift and premature translation stop signal. This variant is expected to result in an absent protein product. To our knowledge, this variant has not been reported in individuals affected with PRKAG2-related disorders in the literature. This variant has not been identified in the general population by the Genome Aggregation Database (gnomAD). The role of loss-of-function PRKAG2 truncation variants in autosomal dominant cardiovascular disorders is not clearly understood. The available evidence is insufficient to determine the role of this variant in disease conclusively. Therefore, this variant is classified as a Variant of Uncertain Significance.

NM_016203.4(PRKAG2):c.760del (p.Glu254fs)

Gene: PRKAG2 (protein kinase AMP-activated non-catalytic subunit gamma 2; minus strand). Cytogenetic location: 7q36.1.
Variant type: Deletion.
Coding change: c.760del on transcript NM_016203.4 (MANE Select); coding-DNA position 760, one base deleted (G; older notation c.760delG).
Protein change: p.Glu254fs; shifts the reading frame from glutamic acid 254.
Molecular consequence: frameshift variant.
Genome position (GRCh38, 1-based): chr7:151,595,449, C deleted on the plus strand (G on the coding strand, the reverse complement: PRKAG2 is on the minus strand). VCF-style (leftmost placement, unchanged base first): chr7-151595448-TC-T. GRCh37 (hg19) VCF-style: chr7-151292534-TC-T.
Other names: c.628del, p.Glu210fs (NM_001040633.2, NM_001407024.1); c.385del, p.Glu129fs (NM_001304527.2, NM_001407029.1); c.37del, p.Glu13fs (NM_001304531.2, NM_001407034.1, NM_001407035.1 and 1 more transcripts); c.388del, p.Glu130fs (NM_001363698.2, NM_001407028.1); c.760del, p.Glu254fs (NM_001407021.1); c.757del, p.Glu253fs (NM_001407022.1, NM_001407023.1); c.625del, p.Glu209fs (NM_001407026.1, NM_001407027.1); c.472del, p.Glu158fs (NM_001407030.1); and 6 more; short protein forms E129fs, E12fs, E130fs, E13fs, E146fs, E148fs, E157fs, E158fs.
Identifiers: ClinVar variation 4757916 (VCV004757916.1).